The following is an entry in ClinVar:

ClinVar aggregate classification (germline): Benign/Likely benign. Review status: criteria provided, multiple submitters, no conflicts (2 of 4 stars). 4 submissions from 4 submitters: Benign (2); Likely benign (2). Last evaluated 2025-01-22.

Conditions:
Hereditary cancer-predisposing syndrome. Also called: Neoplastic Syndromes, Hereditary; Tumor predisposition; Hereditary Cancer Syndrome; Hereditary neoplastic syndrome. Identifiers: Orphanet 140162, MedGen C0027672, MeSH D009386, MONDO:0015356.
Familial cancer of breast. Also called: BREAST CANCER, FAMILIAL; Hereditary breast cancer; hereditary breast carcinoma. Identifiers: Orphanet 227535, MedGen C0346153, MONDO:0016419, OMIM 114480. Disease mechanism: loss of function.

gnomAD v4.1: 3 of 1,614,116 alleles (0.00019%); highest among the groups gnomAD compares: Non-Finnish European, 0.00017%; no homozygotes.

Submissions (4):

Myriad Genetics, Inc.
Classification: Benign for Familial cancer of breast. Last evaluated: 2025-01-22. Review status: criteria provided, single submitter. Criteria: Myriad Autosomal Dominant, Autosomal Recessive and X-Linked Classification Criteria (2023). Collection method: clinical testing. Allele origin: unknown.
Comment: This variant is considered benign. This variant is a silent/synonymous amino acid change and it is not expected to impact splicing.

Labcorp Genetics (formerly Invitae), Labcorp
Classification: Benign for Familial cancer of breast. Last evaluated: 2024-02-08. Review status: criteria provided, single submitter. Criteria: Invitae Variant Classification Sherloc (09022015). Collection method: clinical testing. Allele origin: germline.

Color Diagnostics, LLC DBA Color Health
Classification: Likely benign for Hereditary cancer-predisposing syndrome. Last evaluated: 2022-11-15. Review status: criteria provided, single submitter. Criteria: ACMG Guidelines, 2015. Collection method: clinical testing. Allele origin: germline.

Ambry Genetics
Classification: Likely benign for Hereditary cancer-predisposing syndrome. Last evaluated: 2016-01-18. Review status: criteria provided, single submitter. Criteria: Ambry Variant Classification Scheme 2023. Collection method: clinical testing. Allele origin: germline.

NM_024675.4(PALB2):c.3300T>A (p.Thr1100=)

Gene: PALB2 (partner and localizer of BRCA2; minus strand). Cytogenetic location: 16p12.2.
Variant type: single nucleotide variant.
Coding change: c.3300T>A on transcript NM_024675.4 (MANE Select); coding-DNA position 3300, T replaced by A.
Protein change: p.Thr1100=; no amino-acid change (threonine 1100 retained).
Molecular consequence: synonymous variant.
Genome position (GRCh38, 1-based): chr16:23,607,914, A>T on the plus strand (T>A on the coding strand, the complement: PALB2 is on the minus strand). VCF-style: chr16-23607914-A-T. GRCh37 (hg19) VCF-style: chr16-23619235-A-T.
Identifiers: ClinVar variation 482013 (VCV000482013.17), dbSNP rs45516100, ClinGen allele CA7963387.